The following is an entry in ClinVar:

ClinVar aggregate classification (germline): Uncertain significance. Review status: criteria provided, multiple submitters, no conflicts (2 of 4 stars). 2 submissions from 2 submitters: Uncertain significance (2). Last evaluated 2025-07-30.

Conditions:
Hereditary cancer-predisposing syndrome. Also called: Tumor predisposition; Hereditary neoplastic syndrome; Neoplastic Syndromes, Hereditary; Hereditary Cancer Syndrome. Identifiers: Orphanet 140162, MedGen C0027672, MeSH D009386, MONDO:0015356.
Rhabdoid tumor predisposition syndrome 2 (RTPS2). Identifiers: Orphanet 231108, Orphanet 69077, MedGen C2750074, MONDO:0013224, OMIM 613325.

Allele frequency attached by ClinVar (database versions not stated): TOPMed 0.00002.

Submissions (2):

Labcorp Genetics (formerly Invitae), Labcorp
Classification: Uncertain significance for Rhabdoid tumor predisposition syndrome 2. Last evaluated: 2025-07-30. Review status: criteria provided, single submitter. Criteria: Invitae Variant Classification Sherloc (09022015). Collection method: clinical testing. Allele origin: germline.
Comment: This sequence change replaces leucine, which is neutral and non-polar, with methionine, which is neutral and non-polar, at codon 345 of the SMARCA4 protein (p.Leu345Met). This variant is not present in population databases (gnomAD no frequency). This variant has not been reported in the literature in individuals affected with SMARCA4-related conditions. ClinVar contains an entry for this variant (Variation ID: 818283). Invitae Evidence Modeling of protein sequence and biophysical properties (such as structural, functional, and spatial information, amino acid conservation, physicochemical variation, residue mobility, and thermodynamic stability) indicates that this missense variant is not expected to disrupt SMARCA4 protein function with a negative predictive value of 95%. In summary, the available evidence is currently insufficient to determine the role of this variant in disease. Therefore, it has been classified as a Variant of Uncertain Significance.

Ambry Genetics
Classification: Uncertain significance for Hereditary cancer-predisposing syndrome. Last evaluated: 2025-04-02. Review status: criteria provided, single submitter. Criteria: Ambry Variant Classification Scheme 2023. Collection method: clinical testing. Allele origin: germline.
Comment: The p.L345M variant (also known as c.1033C>A), located in coding exon 5 of the SMARCA4 gene, results from a C to A substitution at nucleotide position 1033. The leucine at codon 345 is replaced by methionine, an amino acid with highly similar properties. This amino acid position is well conserved in available vertebrate species. In addition, this alteration is predicted to be tolerated by in silico analysis. Based on the available evidence, the clinical significance of this variant remains unclear.

NM_003072.5(SMARCA4):c.1033C>A (p.Leu345Met)

Gene: SMARCA4 (SWI/SNF related BAF chromatin remodeling complex subunit ATPase 4; plus strand). Cytogenetic location: 19p13.2.
Variant type: single nucleotide variant.
Coding change: c.1033C>A on transcript NM_003072.5 (MANE Select); coding-DNA position 1033, C replaced by A.
Protein change: p.Leu345Met; replaces leucine 345 with methionine.
Molecular consequence: missense variant. On other transcripts: non-coding transcript variant (1).
Genome position (GRCh38, 1-based): chr19:10,987,839, C>A. VCF-style: chr19-10987839-C-A. GRCh37 (hg19) VCF-style: chr19-11098515-C-A.
Other names: c.1033C>A, p.Leu345Met (NM_001128844.3, NM_001128845.2, NM_001128846.2 and 4 more transcripts); short protein forms L345M.
Identifiers: ClinVar variation 818283 (VCV000818283.11), dbSNP rs888226264, ClinGen allele CA305287555.